The following is an entry in ClinVar:

ClinVar aggregate classification (germline): Likely benign. Review status: criteria provided, multiple submitters, no conflicts (2 of 4 stars). 5 submissions from 5 submitters: Likely benign (5). Last evaluated 2026-01-19.

Conditions:
Familial colorectal cancer type X. Identifiers: Orphanet 440437, MedGen C3896578, MONDO:0018604.
Polymerase proofreading-related adenomatous polyposis. Also called: Polymerase proofreading associated polyposis; Polymerase proofreading–associated polyposis (PPAP). Identifiers: Orphanet 447877, MedGen C5202613, MONDO:0018653.
Hereditary cancer-predisposing syndrome. Also called: Neoplastic Syndromes, Hereditary; Tumor predisposition; Hereditary Cancer Syndrome; Hereditary neoplastic syndrome. Identifiers: Orphanet 140162, MedGen C0027672, MeSH D009386, MONDO:0015356.

Allele frequency attached by ClinVar (database versions not stated): ExAC 0.00004; gnomAD 0.00004 and 0.00005; TOPMed 0.00002; gnomAD exomes 0.00003.
gnomAD v4.1: 48 of 1,611,482 alleles (0.003%); highest among the groups gnomAD compares: East Asian, 0.033%; no homozygotes.

Submissions (5):

Labcorp Genetics (formerly Invitae), Labcorp
Classification: Likely benign. Last evaluated: 2026-01-19. Review status: criteria provided, single submitter. Criteria: Invitae Variant Classification Sherloc (09022015). Collection method: clinical testing. Allele origin: germline.

Blueprint Genetics
Classification: Likely benign. Last evaluated: 2023-12-21. Review status: criteria provided, single submitter. Criteria: ACMG Guidelines, 2015. Collection method: clinical testing. Allele origin: germline.

Department of Pathology and Laboratory Medicine, Sinai Health System
Classification: Likely benign for Polymerase proofreading-related adenomatous polyposis; Familial colorectal cancer type X. Last evaluated: 2019-11-19. Review status: criteria provided, single submitter. Criteria: ACMG Guidelines, 2015. Collection method: clinical testing. Allele origin: germline. Affected: yes.

GeneDx
Classification: Likely benign. Last evaluated: 2017-11-07. Review status: criteria provided, single submitter. Criteria: GeneDx Variant Classification (06012015). Collection method: clinical testing. Allele origin: germline. Affected: yes.
Comment: This variant is considered likely benign or benign based on one or more of the following criteria: it is a conservative change, it occurs at a poorly conserved position in the protein, it is predicted to be benign by multiple in silico algorithms, and/or has population frequency not consistent with disease.

Ambry Genetics
Classification: Likely benign for Hereditary cancer-predisposing syndrome. Last evaluated: 2016-10-28. Review status: criteria provided, single submitter. Criteria: Ambry Variant Classification Scheme 2023. Collection method: clinical testing. Allele origin: germline.

NM_006231.4(POLE):c.5106C>T (p.Asn1702=)

Gene: POLE (DNA polymerase epsilon, catalytic subunit; minus strand). Cytogenetic location: 12q24.33.
Variant type: single nucleotide variant.
Coding change: c.5106C>T on transcript NM_006231.4 (MANE Select); coding-DNA position 5106, C replaced by T.
Protein change: p.Asn1702=; no amino-acid change (asparagine 1702 retained).
Molecular consequence: synonymous variant.
Genome position (GRCh38, 1-based): chr12:132,642,244, G>A on the plus strand (C>T on the coding strand, the complement: POLE is on the minus strand). VCF-style: chr12-132642244-G-A. GRCh37 (hg19) VCF-style: chr12-133218830-G-A.
Identifiers: ClinVar variation 413600 (VCV000413600.19), dbSNP rs116001373, ClinGen allele CA6892627.
Genomic context (GRCh38, chr12:132,642,244, plus strand): 5'-GTAACAGCCTGAACTGTTGATCTCAACAGTGGCTTGGTCATCGAACTCCATGACAAGACA[G>A]TTGTCATCAGCCTCCTTTCCACCCAGGTCAGGGCGGGCTGTAGGGGACAGCCAGAGCAGG-3'
Protein context (NP_006222.2, residues 1692-1712): PDLGGKEADD[Asn1702=]CLVMEFDDQA